The following is an entry in ClinVar:

NM_138477.4(CDAN1):c.2750T>G (p.Ile917Ser)

Gene: CDAN1 (codanin 1; minus strand). Cytogenetic location: 15q15.2.
Variant type: single nucleotide variant.
Coding change: c.2750T>G on transcript NM_138477.4 (MANE Select); coding-DNA position 2750, T replaced by G.
Protein change: p.Ile917Ser; replaces isoleucine 917 with serine.
Molecular consequence: missense variant.
Genome position (GRCh38, 1-based): chr15:42,728,706, A>C on the plus strand (T>G on the coding strand, the complement: CDAN1 is on the minus strand). VCF-style: chr15-42728706-A-C. GRCh37 (hg19) VCF-style: chr15-43020904-A-C.
Other names: c.2750T>G, p.Ile917Ser (LRG_1164t1); short protein forms I917S.
Identifiers: ClinVar variation 315929 (VCV000315929.16), dbSNP rs529452785, ClinGen allele CA7515484.

ClinVar aggregate classification (germline): Benign/Likely benign. Review status: criteria provided, multiple submitters, no conflicts (2 of 4 stars). 4 submissions from 4 submitters: Benign (2); Likely benign (1). 1 of the submissions does not count toward it. Last evaluated 2026-01-09.

Conditions:
CDAN1-related disorder. Also called: CDAN1-related condition.
Congenital dyserythropoietic anemia, type I. Also called: Dyserythropoietic anemia, congenital type 1. Identifiers: Orphanet 98869, MedGen C0271933, MONDO:0020337. Disease mechanism: loss of function.
Anemia, congenital dyserythropoietic, type 1a (CDAN1A). Also called: DYSERYTHROPOIETIC ANEMIA, CONGENITAL, TYPE Ia; CDAN1-Related Congenital Dyserythropoietic Anemia. Identifiers: MedGen C5574667, MONDO:0009135, OMIM 224120.

Allele frequency attached by ClinVar (database versions not stated): gnomAD 0.00002 and 0.00043; TOPMed 0.00008; ExAC 0.00177; 1000 Genomes Project 30x 0.00281; 1000 Genomes Project 0.00300.

Submissions (4):

Labcorp Genetics (formerly Invitae), Labcorp
Classification: Benign. Last evaluated: 2026-01-09. Review status: criteria provided, single submitter. Criteria: Invitae Variant Classification Sherloc (09022015). Collection method: clinical testing. Allele origin: germline.

ARUP Laboratories, Molecular Genetics and Genomics, ARUP Laboratories
Classification: Likely benign for Anemia, congenital dyserythropoietic, type 1a. Last evaluated: 2021-09-13. Review status: criteria provided, single submitter. Criteria: ARUP Molecular Germline Variant Investigation Process 2021. Collection method: clinical testing. Allele origin: germline.

Illumina Laboratory Services, Illumina
Classification: Benign for Anemia, congenital dyserythropoietic, type 1a. Last evaluated: 2018-01-13. Review status: criteria provided, single submitter. Criteria: ICSL Variant Classification Criteria 13 December 2019. Collection method: clinical testing. Allele origin: germline.
Comment: This variant was observed in the ICSL laboratory as part of a predisposition screen in an ostensibly healthy population. It had not been previously curated by ICSL or reported in the Human Gene Mutation Database (HGMD: prior to June 1st, 2018), and was therefore a candidate for classification through an automated scoring system. Utilizing variant allele frequency, disease prevalence and penetrance estimates, and inheritance mode, an automated score was calculated to assess if this variant is too frequent to cause the disease. Based on the score and internal cut-off values, a variant classified as benign is not then subjected to further curation. The score for this variant resulted in a classification of benign for this disease.

PreventionGenetics, part of Exact Sciences
Classification: Benign for CDAN1-related condition. Last evaluated: 2019-08-13. Review status: no assertion criteria provided. Collection method: clinical testing. Allele origin: germline. Not counted in ClinVar's aggregate classification.
Comment: This variant is classified as benign based on ACMG/AMP sequence variant interpretation guidelines (Richards et al. 2015 PMID: 25741868, with internal and published modifications).